The following is an entry in ClinVar:

NM_001009944.3(PKD1):c.2629C>A (p.Leu877Met)

Gene: PKD1 (polycystin 1, transient receptor potential channel interacting; minus strand). Cytogenetic location: 16p13.3.
Variant type: single nucleotide variant.
Coding change: c.2629C>A on transcript NM_001009944.3 (MANE Select); coding-DNA position 2629, C replaced by A.
Protein change: p.Leu877Met; replaces leucine 877 with methionine.
Molecular consequence: missense variant.
Genome position (GRCh38, 1-based): chr16:2,114,394, G>T on the plus strand (C>A on the coding strand, the complement: PKD1 is on the minus strand). VCF-style: chr16-2114394-G-T. GRCh37 (hg19) VCF-style: chr16-2164395-G-T.
Other names: c.2629C>A, p.Leu877Met (NM_000296.4); c.2629C>A (NM_000296.3); short protein forms L877M.
Identifiers: ClinVar variation 4975311 (VCV004975311.2).

ClinVar aggregate classification (germline): Uncertain significance. Review status: criteria provided, multiple submitters, no conflicts (2 of 4 stars). 2 submissions from 2 submitters: Uncertain significance (2). Last evaluated 2026-06-17.

Conditions:
Inborn genetic diseases. Identifiers: MedGen C0950123, MeSH D030342.

gnomAD v4.1: 8 of 1,607,410 alleles (0.0005%); highest among the groups gnomAD compares: Non-Finnish European, 0.00059%; no homozygotes.

Submissions (2):

Ambry Genetics
Classification: Uncertain significance for Inborn genetic diseases. Last evaluated: 2026-06-17. Review status: criteria provided, single submitter. Criteria: Ambry Variant Classification Scheme 2023. Collection method: clinical testing. Allele origin: germline.

GeneDx
Classification: Uncertain significance. Last evaluated: 2026-01-27. Review status: criteria provided, single submitter. Criteria: GeneDx Variant Classification Process June 2021. Collection method: clinical testing. Allele origin: germline.
Comment: Not observed at significant frequency in large population cohorts (gnomAD); In silico analysis suggests that this missense variant does not alter protein structure/function; Has not been previously published as pathogenic or benign to our knowledge